The following is an entry in ClinVar:

NM_015512.5(DNAH1):c.11779G>A (p.Asp3927Asn)

Gene: DNAH1 (dynein axonemal heavy chain 1; plus strand). Cytogenetic location: 3p21.1.
Variant type: single nucleotide variant.
Coding change: c.11779G>A on transcript NM_015512.5 (MANE Select); coding-DNA position 11779, G replaced by A.
Protein change: p.Asp3927Asn; replaces aspartic acid 3927 with asparagine.
Molecular consequence: missense variant.
Genome position (GRCh38, 1-based): chr3:52,397,036, G>A. VCF-style: chr3-52397036-G-A. GRCh37 (hg19) VCF-style: chr3-52431052-G-A.
Other names: short protein forms D3927N.
Identifiers: ClinVar variation 1972816 (VCV001972816.2), dbSNP rs765496759, ClinGen allele CA2436278.

ClinVar aggregate classification (germline): Uncertain significance (1 of 4 stars; one submission).

Conditions:
Spermatogenic failure 18. Identifiers: MedGen C4539783, MONDO:0054615, OMIM 617576.
Ciliary dyskinesia, primary, 37 (CILD37). Also called: CILIARY DYSKINESIA, PRIMARY, 37, WITH OR WITHOUT SITUS INVERSUS. Identifiers: MedGen C4539798, MONDO:0033204, OMIM 617577.

Allele frequency attached by ClinVar (database versions not stated): ExAC 0.00001; gnomAD 0.00001; gnomAD exomes 0.00002; TOPMed 0.00003.
gnomAD v4.1: 29 of 1,604,078 alleles (0.0018%); highest among the groups gnomAD compares: East Asian, 0.016%; no homozygotes.

Submission:

Labcorp Genetics (formerly Invitae), Labcorp
Classification: Uncertain significance for Ciliary dyskinesia, primary, 37; Spermatogenic failure 18. Last evaluated: 2022-07-11. Review status: criteria provided, single submitter. Criteria: Invitae Variant Classification Sherloc (09022015). Collection method: clinical testing. Allele origin: germline.
Comment: This sequence change replaces aspartic acid, which is acidic and polar, with asparagine, which is neutral and polar, at codon 3927 of the DNAH1 protein (p.Asp3927Asn). This variant is present in population databases (rs765496759, gnomAD 0.04%). This missense change has been observed in individual(s) with multiple morphological abnormalities of the sperm flagella (PMID: 30811583). Algorithms developed to predict the effect of missense changes on protein structure and function are either unavailable or do not agree on the potential impact of this missense change (SIFT: "Deleterious"; PolyPhen-2: "Benign"; Align-GVGD: "Class C0"). In summary, the available evidence is currently insufficient to determine the role of this variant in disease. Therefore, it has been classified as a Variant of Uncertain Significance.

Literature cited by the submitters: PubMed 30811583.